The following is an entry in ClinVar:

ClinVar aggregate classification (germline): Uncertain significance (1 of 4 stars; one submission).

Allele frequency attached by ClinVar (database versions not stated): TOPMed below 0.00001; gnomAD exomes 0.00001; ExAC 0.00003.
gnomAD v4.1: 9 of 1,567,578 alleles (0.00057%); highest among the groups gnomAD compares: South Asian, 0.0089%; no homozygotes.

Submission:

Labcorp Genetics (formerly Invitae), Labcorp
Classification: Uncertain significance. Last evaluated: 2022-03-09. Review status: criteria provided, single submitter. Criteria: Invitae Variant Classification Sherloc (09022015). Collection method: clinical testing. Allele origin: germline.
Comment: In summary, the available evidence is currently insufficient to determine the role of this variant in disease. Therefore, it has been classified as a Variant of Uncertain Significance. Algorithms developed to predict the effect of missense changes on protein structure and function are either unavailable or do not agree on the potential impact of this missense change (SIFT: "Deleterious"; PolyPhen-2: "Not Available"; Align-GVGD: "Class C0"). This variant has not been reported in the literature in individuals affected with PTPN23-related conditions. This variant is present in population databases (rs759921646, gnomAD 0.02%). This sequence change replaces serine, which is neutral and polar, with phenylalanine, which is neutral and non-polar, at codon 1550 of the PTPN23 protein (p.Ser1550Phe).

NM_015466.4(PTPN23):c.4649C>T (p.Ser1550Phe)

Gene: PTPN23 (protein tyrosine phosphatase non-receptor type 23; plus strand). Cytogenetic location: 3p21.31.
Variant type: single nucleotide variant.
Coding change: c.4649C>T on transcript NM_015466.4 (MANE Select); coding-DNA position 4649, C replaced by T.
Protein change: p.Ser1550Phe; replaces serine 1550 with phenylalanine.
Molecular consequence: missense variant.
Genome position (GRCh38, 1-based): chr3:47,412,923, C>T. VCF-style: chr3-47412923-C-T. GRCh37 (hg19) VCF-style: chr3-47454413-C-T.
Other names: c.4271C>T, p.Ser1424Phe (NM_001304482.2); short protein forms S1424F, S1550F.
Identifiers: ClinVar variation 1947900 (VCV001947900.3), dbSNP rs759921646, ClinGen allele CA2366673.